The following is an entry in ClinVar:

NM_001283009.2(RTEL1):c.2889G>T (p.Gln963His)

Genes: RTEL1 (regulator of telomere elongation helicase 1; plus strand), RTEL1-TNFRSF6B (RTEL1-TNFRSF6B readthrough (NMD candidate); plus strand). Cytogenetic location: 20q13.33.
Variant type: single nucleotide variant.
Coding change: c.2889G>T on transcript NM_001283009.2 (MANE Select); coding-DNA position 2889, G replaced by T.
Protein change: p.Gln963His; replaces glutamine 963 with histidine.
Molecular consequence: missense variant. On other transcripts: non-coding transcript variant (1).
Genome position (GRCh38, 1-based): chr20:63,693,180, G>T. VCF-style: chr20-63693180-G-T. GRCh37 (hg19) VCF-style: chr20-62324533-G-T.
Other names: c.2220G>T, p.Gln740His (NM_001283010.1); c.2889G>T, p.Gln963His (NM_016434.4); c.2961G>T, p.Gln987His (NM_032957.5); short protein forms Q740H, Q963H, Q987H.
Identifiers: ClinVar variation 1315071 (VCV001315071.2), dbSNP rs1274218203, ClinGen allele CA409683249.

ClinVar aggregate classification (germline): Uncertain significance (1 of 4 stars; one submission).

Submission:

GeneDx
Classification: Uncertain significance. Last evaluated: 2020-02-10. Review status: criteria provided, single submitter. Criteria: GeneDx Variant Classification Process June 2021. Collection method: clinical testing. Allele origin: germline. Affected: yes.
Comment: Not observed in large population cohorts (Lek et al., 2016); In silico analysis supports that this missense variant has a deleterious effect on protein structure/function; Has not been previously published as pathogenic or benign to our knowledge